The following is an entry in ClinVar:

ClinVar aggregate classification (germline): Likely benign (1 of 4 stars; one submission).

Allele frequency attached by ClinVar (database versions not stated): TOPMed 0.00180; 1000 Genomes Project 30x 0.00219; 1000 Genomes Project 0.00220; gnomAD 0.00276; gnomAD exomes 0.00331.
gnomAD v4.1: 2,500 of 782,576 alleles (0.32%); highest among the groups gnomAD compares: Non-Finnish European, 0.33%; 10 homozygotes.

Submission:

GeneDx
Classification: Likely benign. Last evaluated: 2020-09-19. Review status: criteria provided, single submitter. Criteria: GeneDx Variant Classification Process June 2021. Collection method: clinical testing. Allele origin: germline. Affected: yes.
Comment: See Variant Classification Assertion Criteria.

NM_003722.5(TP63):c.883-139A>G

Gene: TP63 (tumor protein p63; plus strand). Cytogenetic location: 3q28.
Variant type: single nucleotide variant.
Coding change: c.883-139A>G on transcript NM_003722.5 (MANE Select); 139 bases into the intron before coding-DNA position 883, A replaced by G.
Molecular consequence: intron variant.
Genome position (GRCh38, 1-based): chr3:189,867,694, A>G. VCF-style: chr3-189867694-A-G. GRCh37 (hg19) VCF-style: chr3-189585483-A-G.
Other names: c.877-139A>G (NM_001329964.2); c.883-139A>G (NM_001114978.2, NM_001329144.2, NM_001329148.2 and 1 more transcripts); c.601-139A>G (NM_001114980.2, NM_001114981.2, NM_001329145.2 and 2 more transcripts); c.346-139A>G (NM_001329146.2, NM_001329150.2).
Identifiers: ClinVar variation 1707230 (VCV001707230.2), dbSNP rs145952254, ClinGen allele CA89745534.